The following is an entry in ClinVar:

ClinVar aggregate classification (germline): Likely pathogenic (1 of 4 stars; one submission).

Conditions:
Imerslund-Grasbeck syndrome type 1 (IGS1). Also called: Megaloblastic anemia 1, Finnish type; MEGALOBLASTIC ANEMIA, 1; Imerslund-Gräsbeck syndrome 1. Identifiers: MedGen C4016819, MONDO:0100156, OMIM 261100.

Submission:

Variantyx, Inc.
Classification: Likely pathogenic for Imerslund-Grasbeck syndrome type 1. Last evaluated: 2025-10-09. Review status: criteria provided, single submitter. Criteria: Variantyx Assertion Criteria 2022. Collection method: clinical testing. Allele origin: germline. Inheritance: Autosomal recessive inheritance. Affected: no.
Comment: This is a nonsense variant in the CUBN gene (OMIM: 602997). Pathogenic variants in this gene have been associated with autosomal recessive Imerslund-Grasbeck syndrome 1. This variant introduces a premature termination codon in exon 25 out of 67 and it is expected to result in loss of function, which is a known disease mechanism for CUBN in this disorder (PMID: 15024727, 22929189) (PVS1). This variant is absent from control populations (PM2). Based on the current evidence, this variant is classified as likely pathogenic for autosomal recessive Imerslund-Grasbeck syndrome 1A.

Literature cited by the submitters: PubMed 15024727; PubMed 22929189.

NM_001081.4(CUBN):c.3659T>G (p.Leu1220Ter)

Gene: CUBN (cubilin; minus strand). Cytogenetic location: 10p13.
Variant type: single nucleotide variant.
Coding change: c.3659T>G on transcript NM_001081.4 (MANE Select); coding-DNA position 3659, T replaced by G.
Protein change: p.Leu1220Ter; replaces leucine 1220 with a stop codon.
Molecular consequence: nonsense.
Genome position (GRCh38, 1-based): chr10:17,045,020, A>C on the plus strand (T>G on the coding strand, the complement: CUBN is on the minus strand). VCF-style: chr10-17045020-A-C. GRCh37 (hg19) VCF-style: chr10-17087019-A-C.
Other names: short protein forms L1220*.
Identifiers: ClinVar variation 4813794 (VCV004813794.1).